The following is an entry in ClinVar:

ClinVar aggregate classification (germline): Uncertain significance (1 of 4 stars; one submission).

Conditions:
Autosomal dominant nonsyndromic hearing loss 17. Also called: Deafness, autosomal dominant 17; Autosomal dominant nonsyndromic deafness 17. Identifiers: Orphanet 90635, MedGen C1863659, MONDO:0011350, OMIM 603622.

Submission:

Precision Medicine Center, Zhengzhou University
Classification: Uncertain significance for Autosomal dominant nonsyndromic hearing loss 17. Last evaluated: 2006-06-30. Review status: criteria provided, single submitter. Criteria: ClinGen HL ACMG Specifications v1. Collection method: clinical testing. Allele origin: paternal. Affected: yes.
Comment: PM2+PP1+PP3:The MYH9 c.2107A>T variant is absent or extremely rare in population databases (PM2). Segregation in two affected relatives for dominant (PP1), and multiple computational prediction tools suggest a deleterious effect on protein function (PP3). However, no functional studies, de novo occurrence, or sufficient clinical evidence are currently available. According to the ACMG/AMP guidelines, this variant is classified as Variant of Uncertain Significance (VUS).

NM_002473.6(MYH9):c.2107A>T (p.Ile703Phe)

Gene: MYH9 (myosin heavy chain 9; minus strand). Cytogenetic location: 22q12.3.
Variant type: single nucleotide variant.
Coding change: c.2107A>T on transcript NM_002473.6 (MANE Select); coding-DNA position 2107, A replaced by T.
Protein change: p.Ile703Phe; replaces isoleucine 703 with phenylalanine.
Molecular consequence: missense variant.
Genome position (GRCh38, 1-based): chr22:36,305,982, T>A on the plus strand (A>T on the coding strand, the complement: MYH9 is on the minus strand). VCF-style: chr22-36305982-T-A. GRCh37 (hg19) VCF-style: chr22-36702028-T-A.
Other names: short protein forms I703F.
Identifiers: ClinVar variation 4857395 (VCV004857395.1).
Genomic context (GRCh38, chr22:36,305,982, plus strand): 5'-TGGCTCACCTCTGCCGAAACTCCTGGAAGACCACCCTGTTGGGGAAGCCCTGGCGGCAGA[T>A]ACGGATGCCCTCGAGAACACCGTTGCAGCGCAGCTGGTCCAGCACGAGATGCGGGTCCAG-3'
Protein context (NP_002464.1, residues 693-713): RCNGVLEGIR[Ile703Phe]CRQGFPNRVV